The following is an entry in ClinVar:

NM_020706.2(SCAF4):c.262T>C (p.Phe88Leu)

Gene: SCAF4 (SR-related CTD associated factor 4; minus strand). Cytogenetic location: 21q22.11.
Variant type: single nucleotide variant.
Coding change: c.262T>C on transcript NM_020706.2 (MANE Select); coding-DNA position 262, T replaced by C.
Protein change: p.Phe88Leu; replaces phenylalanine 88 with leucine.
Molecular consequence: missense variant.
Genome position (GRCh38, 1-based): chr21:31,703,824, A>G on the plus strand (T>C on the coding strand, the complement: SCAF4 is on the minus strand). VCF-style: chr21-31703824-A-G. GRCh37 (hg19) VCF-style: chr21-33076137-A-G.
Other names: c.217T>C, p.Phe73Leu (NM_001145444.1); c.262T>C, p.Phe88Leu (NM_001145445.1); short protein forms F73L, F88L.
Identifiers: ClinVar variation 1695026 (VCV001695026.31), dbSNP rs2123594070, ClinGen allele CA410051217.

ClinVar aggregate classification (germline): Uncertain significance (1 of 4 stars; one submission).

Submission:

CeGaT Center for Human Genetics Tuebingen
Classification: Uncertain significance. Last evaluated: 2022-05-01. Review status: criteria provided, single submitter. Criteria: CeGaT Center For Human Genetics Tuebingen Variant Classification Criteria Version 2. Collection method: clinical testing. Allele origin: germline. Affected: yes. Observed: 1 variant allele.
Comment: SCAF4: PM2